The following is an entry in ClinVar:

NM_001369.3(DNAH5):c.2996_2997insAATATTT (p.Ser1000fs)

Genes: DNAH5 (dynein axonemal heavy chain 5; minus strand), DNAH5-AS1 (DNAH5 antisense RNA 1; plus strand). Cytogenetic location: 5p15.2.
Variant type: Insertion.
Coding change: c.2996_2997insAATATTT on transcript NM_001369.3 (MANE Select); coding-DNA positions 2996 to 2997, AATATTT inserted.
Protein change: p.Ser1000fs; shifts the reading frame from serine 1000.
Molecular consequence: frameshift variant.
Genome position: GRCh38 VCF-style: chr5-13883081-G-GAAATATT. GRCh37 (hg19) VCF-style: chr5-13883190-G-GAAATATT.
Other names: short protein forms S1000fs.
Identifiers: ClinVar variation 1726567 (VCV001726567.2), dbSNP rs2547031773, ClinGen allele CA2580072062.

ClinVar aggregate classification (germline): Likely pathogenic (1 of 4 stars; one submission).

Conditions:
Primary ciliary dyskinesia 3. Identifiers: Orphanet 244, MedGen C1837618, MONDO:0012085, OMIM 608644.

Submission:

Myriad Genetics, Inc.
Classification: Likely pathogenic for Primary ciliary dyskinesia 3. Last evaluated: 2021-12-21. Review status: criteria provided, single submitter. Criteria: Myriad Women's Health Autosomal Recessive and X-Linked Classification Criteria (2021). Collection method: clinical testing. Allele origin: unknown.
Comment: NM_001369.2(DNAH5):c.2996_2997ins7(S1000Ifs*4) is expected to be pathogenic in the context of DNAH5-related primary ciliary dyskinesia. This variant is predicted to lead to an abnormal or absent protein product due to the creation of a premature termination codon in DNAH5, a gene where loss-of-function variants are known to be pathogenic. Please note: this variant was assessed in the context of healthy population screening.